The following is an entry in ClinVar:

ClinVar aggregate classification (germline): Conflicting classifications of pathogenicity. Review status: criteria provided, conflicting classifications (1 of 4 stars). 3 submissions from 3 submitters: Uncertain significance (2); Likely benign (1). Last evaluated 2025-12-19.

Conditions:
TTN-related disorder. Also called: TTN-related disorders; TTN-related condition; TTN-related disease.

Allele frequency attached by ClinVar (database versions not stated): gnomAD 0.00003; TOPMed 0.00003.
gnomAD v4.1: 28 of 1,613,274 alleles (0.0017%); highest among the groups gnomAD compares: African/African-American, 0.019%; no homozygotes.

Submissions (3):

PreventionGenetics, part of Exact Sciences
Classification: Uncertain significance for TTN-related condition. Last evaluated: 2025-12-19. Review status: criteria provided, single submitter. Criteria: ACMG Guidelines, 2015. Collection method: clinical testing. Allele origin: germline.
Comment: The TTN c.60782C>T variant is predicted to result in the amino acid substitution p.Thr20261Ile. To our knowledge, this variant has not been reported in the literature. This variant is reported in 0.0041% of alleles in individuals of African descent in gnomAD. At this time, the clinical significance of this variant is uncertain due to the absence of conclusive functional and genetic evidence.

Revvity Omics, Revvity
Classification: Uncertain significance. Last evaluated: 2020-03-05. Review status: criteria provided, single submitter. Criteria: ACMG Guidelines, 2015. Collection method: clinical testing. Allele origin: germline.

GeneDx
Classification: Likely benign. Last evaluated: 2018-05-07. Review status: criteria provided, single submitter. Criteria: GeneDx Variant Classification (06012015). Collection method: clinical testing. Allele origin: germline. Affected: yes.
Comment: This variant is considered likely benign or benign based on one or more of the following criteria: it is a conservative change, it occurs at a poorly conserved position in the protein, it is predicted to be benign by multiple in silico algorithms, and/or has population frequency not consistent with disease.

NM_001267550.2(TTN):c.60782C>T (p.Thr20261Ile)

Genes: TTN (titin; minus strand), TTN-AS1 (TTN antisense RNA 1; plus strand). Cytogenetic location: 2q31.2.
Variant type: single nucleotide variant.
Coding change: c.60782C>T on transcript NM_001267550.2 (MANE Select); coding-DNA position 60782, C replaced by T.
Protein change: p.Thr20261Ile; replaces threonine 20261 with isoleucine.
Molecular consequence: missense variant.
Genome position (GRCh38, 1-based): chr2:178,590,943, G>A on the plus strand (C>T on the coding strand, the complement: TTN is on the minus strand). VCF-style: chr2-178590943-G-A. GRCh37 (hg19) VCF-style: chr2-179455670-G-A.
Other names: c.55859C>T, p.Thr18620Ile (NM_001256850.1); c.33587C>T, p.Thr11196Ile (NM_003319.4); c.53078C>T, p.Thr17693Ile (NM_133378.4); c.33962C>T, p.Thr11321Ile (NM_133432.3); c.34163C>T, p.Thr11388Ile (NM_133437.4); short protein forms T20261I, T11196I, T17693I, T18620I, T11388I, T11321I.
Identifiers: ClinVar variation 682608 (VCV000682608.5), dbSNP rs555901678, ClinGen allele CA1992448.